The following is an entry in ClinVar:

NM_000051.4(ATM):c.6204G>T (p.Leu2068Phe)

Genes: ATM (ATM serine/threonine kinase; plus strand), C11orf65 (chromosome 11 open reading frame 65; minus strand). Cytogenetic location: 11q22.3.
Variant type: single nucleotide variant.
Coding change: c.6204G>T on transcript NM_000051.4 (MANE Select); coding-DNA position 6204, G replaced by T.
Protein change: p.Leu2068Phe; replaces leucine 2068 with phenylalanine.
Molecular consequence: missense variant. On other transcripts: intron variant (2).
Genome position (GRCh38, 1-based): chr11:108,317,378, G>T. VCF-style: chr11-108317378-G-T. GRCh37 (hg19) VCF-style: chr11-108188105-G-T.
Other names: c.6204G>T, p.Leu2068Phe (NM_001351834.2); c.641-8307C>A (NM_001330368.2); c.*39-8307C>A (NM_001351110.2); short protein forms L2068F.
Identifiers: ClinVar variation 1217735 (VCV001217735.5), dbSNP rs2084774223, ClinGen allele CA382551033.

ClinVar aggregate classification (germline): Uncertain significance (1 of 4 stars; one submission).

Submission:

GeneDx
Classification: Uncertain significance. Last evaluated: 2020-11-02. Review status: criteria provided, single submitter. Criteria: GeneDx Variant Classification Process June 2021. Collection method: clinical testing. Allele origin: germline. Affected: yes.
Comment: Not observed in large population cohorts (Lek 2016); In silico analysis supports that this missense variant has a deleterious effect on protein structure/function; Has not been previously published as pathogenic or benign to our knowledge